The following is an entry in ClinVar:

NM_001267550.2(TTN):c.101396C>T (p.Thr33799Ile)

Genes: TTN-AS1 (TTN antisense RNA 1; plus strand), TTN (titin; minus strand). Cytogenetic location: 2q31.2.
Variant type: single nucleotide variant.
Coding change: c.101396C>T on transcript NM_001267550.2 (MANE Select); coding-DNA position 101396, C replaced by T.
Protein change: p.Thr33799Ile; replaces threonine 33799 with isoleucine.
Molecular consequence: missense variant.
Genome position (GRCh38, 1-based): chr2:178,535,219, G>A on the plus strand (C>T on the coding strand, the complement: TTN is on the minus strand). VCF-style: chr2-178535219-G-A. GRCh37 (hg19) VCF-style: chr2-179399946-G-A.
Other names: c.96473C>T, p.Thr32158Ile (NM_001256850.1); c.74201C>T, p.Thr24734Ile (NM_003319.4); c.93692C>T, p.Thr31231Ile (NM_133378.4); c.74576C>T, p.Thr24859Ile (NM_133432.3); c.74777C>T, p.Thr24926Ile (NM_133437.4); short protein forms T24734I, T33799I, T24859I, T24926I, T31231I, T32158I.
Identifiers: ClinVar variation 4786034 (VCV004786034.1).
Genomic context (GRCh38, chr2:178,535,219, plus strand): 5'-TATTTCTCATAGAGTTCCTTGGTTGAAGAGTGAGATGCTTTAGTCATGGAGACTTCCCTG[G>A]TTTCATCTACCTCTTCATCATAGTTCATAGCTCTGGTCTTATCTTCTTTGGTTATGGTTG-3'
Protein context (NP_001254479.2, residues 33789-33809): AMNYDEEVDE[Thr33799Ile]REVSMTKASH

ClinVar aggregate classification (germline): Uncertain significance (1 of 4 stars; one submission).

Conditions:
Autosomal recessive limb-girdle muscular dystrophy type 2J (LGMDR10). Also called: Limb-girdle muscular dystrophy, type 2J; MUSCULAR DYSTROPHY, LIMB-GIRDLE, AUTOSOMAL RECESSIVE 10. Identifiers: Orphanet 140922, MedGen C1837342, MONDO:0012127, OMIM 608807.
Dilated cardiomyopathy 1G (CMD1G). Identifiers: Orphanet 154, MedGen C1858763, MONDO:0011400, OMIM 604145.

Submission:

Labcorp Genetics (formerly Invitae), Labcorp
Classification: Uncertain significance for Dilated cardiomyopathy 1G; Autosomal recessive limb-girdle muscular dystrophy type 2J. Last evaluated: 2025-09-02. Review status: criteria provided, single submitter. Criteria: Invitae Variant Classification Sherloc (09022015). Collection method: clinical testing. Allele origin: germline.
Comment: This sequence change replaces threonine, which is neutral and polar, with isoleucine, which is neutral and non-polar, at codon 33799 of the TTN protein (p.Thr33799Ile). This variant is not present in population databases (gnomAD no frequency). This variant has not been reported in the literature in individuals affected with TTN-related conditions. Experimental studies and prediction algorithms are not available or were not evaluated, and the functional significance of this variant is currently unknown. This variant is located in the M band of TTN (PMID: 25589632). Non-truncating variants in this region may be relevant for neuromuscular disorders, but have not been definitively shown to cause cardiomyopathy (PMID: 23975875). In summary, the available evidence is currently insufficient to determine the role of this variant in disease. Therefore, it has been classified as a Variant of Uncertain Significance.

Literature cited by the submitters: PubMed 25589632; PubMed 23975875.